The following is an entry in ClinVar:

ClinVar aggregate classification (germline): Uncertain significance (1 of 4 stars; one submission).

Submission:

GeneDx
Classification: Uncertain significance. Last evaluated: 2024-01-18. Review status: criteria provided, single submitter. Criteria: GeneDx Variant Classification Process June 2021. Collection method: clinical testing. Allele origin: germline. Affected: yes.
Comment: Not observed at significant frequency in large population cohorts (gnomAD); In silico analysis supports that this missense variant does not alter protein structure/function; Has not been previously published as pathogenic or benign to our knowledge; This variant is associated with the following publications: (PMID: 28545555)

NM_152703.5(SAMD9L):c.2440C>G (p.Leu814Val)

Gene: SAMD9L (sterile alpha motif domain containing 9 like; minus strand). Cytogenetic location: 7q21.2.
Variant type: single nucleotide variant.
Coding change: c.2440C>G on transcript NM_152703.5 (MANE Select); coding-DNA position 2440, C replaced by G.
Protein change: p.Leu814Val; replaces leucine 814 with valine.
Molecular consequence: missense variant.
Genome position (GRCh38, 1-based): chr7:93,133,532, G>C on the plus strand (C>G on the coding strand, the complement: SAMD9L is on the minus strand). VCF-style: chr7-93133532-G-C. GRCh37 (hg19) VCF-style: chr7-92762845-G-C.
Other names: c.2440C>G, p.Leu814Val (NM_001303496.3, NM_001303497.3, NM_001303498.3 and 5 more transcripts); short protein forms L814V.
Identifiers: ClinVar variation 3367908 (VCV003367908.1).